The following is an entry in ClinVar:

ClinVar aggregate classification (germline): Uncertain significance (1 of 4 stars; one submission).

Conditions:
Joubert syndrome. Also called: JOUBERT-BOLTSHAUSER SYNDROME; Familial aplasia of the vermis. Identifiers: Orphanet 475, MedGen C5979921, MONDO:0018772.
Meckel-Gruber syndrome. Also called: DYSENCEPHALIA SPLANCHNOCYSTICA; GRUBER SYNDROME; Dysencephalia splachnocystica. Identifiers: Orphanet 564, MedGen C0265215, MONDO:0018921.

Submission:

Labcorp Genetics (formerly Invitae), Labcorp
Classification: Uncertain significance for Joubert syndrome; Meckel-Gruber syndrome. Last evaluated: 2022-07-06. Review status: criteria provided, single submitter. Criteria: Invitae Variant Classification Sherloc (09022015). Collection method: clinical testing. Allele origin: germline.
Comment: This variant, c.3291_3296del, results in the deletion of 2 amino acid(s) of the CC2D2A protein (p.Leu1098_Val1099del), but otherwise preserves the integrity of the reading frame. This variant is present in population databases (no rsID available, gnomAD 0.01%). This variant has not been reported in the literature in individuals affected with CC2D2A-related conditions. ClinVar contains an entry for this variant (Variation ID: 1524895). Algorithms developed to predict the effect of sequence changes on RNA splicing suggest that this variant may disrupt the consensus splice site. In summary, the available evidence is currently insufficient to determine the role of this variant in disease. Therefore, it has been classified as a Variant of Uncertain Significance.

NM_001378615.1(CC2D2A):c.3291_3296del (p.Leu1098_Val1099del)

Genes: CC2D2A (coiled-coil and C2 domain containing 2A; plus strand), FBXL5 (F-box and leucine rich repeat protein 5; minus strand). Cytogenetic location: 4p15.32.
Variant type: Deletion.
Coding change: c.3291_3296del on transcript NM_001378615.1 (MANE Select); coding-DNA positions 3291 to 3296, 6 bases deleted (TTTAGT; older notation c.3291_3296delTTTAGT).
Protein change: p.Leu1098_Val1099del.
Molecular consequence: inframe deletion.
Genome position (GRCh38, 1-based): chr4:15,567,679-15,567,684, TTTAGT deleted; deleting any 6 consecutive bases within chr4:15,567,677-15,567,684 gives the same sequence; the c. name uses the placement nearest the transcript's 3' end. VCF-style (leftmost placement, unchanged base first): chr4-15567676-GGTTTTA-G. GRCh37 (hg19) VCF-style: chr4-15569299-GGTTTTA-G.
Other names: c.3291_3296del, p.Leu1098_Val1099del (NM_001080522.2); c.3144_3149del, p.Leu1049_Val1050del (NM_001378617.1).
Identifiers: ClinVar variation 1524895 (VCV001524895.5), dbSNP rs1307456757, ClinGen allele CA356418525.
Genomic context (GRCh38, chr4:15,567,676, plus strand): 5'-TGCTAAGAATAAAATAATTTGACTAACCATTGGGAACTCAGAATTTGCTCTTGATTTTAA[GGTTTTA>G]GTACGTCCCTTTGTAGAAGTCTCTTTTCAACGAACAGTTTGCCATACGACTACGGCTGAA-3'